The following is an entry in ClinVar:

NM_004963.4(GUCY2C):c.2837C>A (p.Thr946Lys)

Genes: GUCY2C (guanylate cyclase 2C; minus strand), PLBD1-AS1 (PLBD1 antisense RNA 1; plus strand). Cytogenetic location: 12p12.3.
Variant type: single nucleotide variant.
Coding change: c.2837C>A on transcript NM_004963.4 (MANE Select); coding-DNA position 2837, C replaced by A.
Protein change: p.Thr946Lys; replaces threonine 946 with lysine.
Molecular consequence: missense variant. On other transcripts: non-coding transcript variant (1).
Genome position (GRCh38, 1-based): chr12:14,619,249, G>T on the plus strand (C>A on the coding strand, the complement: GUCY2C is on the minus strand). VCF-style: chr12-14619249-G-T. GRCh37 (hg19) VCF-style: chr12-14772183-G-T.
Other names: short protein forms T946K.
Identifiers: ClinVar variation 1966460 (VCV001966460.5), dbSNP rs370411745, ClinGen allele CA383993093.

ClinVar aggregate classification (germline): Uncertain significance (1 of 4 stars; one submission).

Submission:

Labcorp Genetics (formerly Invitae), Labcorp
Classification: Uncertain significance. Last evaluated: 2022-08-09. Review status: criteria provided, single submitter. Criteria: Invitae Variant Classification Sherloc (09022015). Collection method: clinical testing. Allele origin: germline.
Comment: In summary, the available evidence is currently insufficient to determine the role of this variant in disease. Therefore, it has been classified as a Variant of Uncertain Significance. Algorithms developed to predict the effect of sequence changes on RNA splicing suggest that this variant may disrupt the consensus splice site. Algorithms developed to predict the effect of missense changes on protein structure and function are either unavailable or do not agree on the potential impact of this missense change (SIFT: "Deleterious"; PolyPhen-2: "Probably Damaging"; Align-GVGD: "Class C0"). This variant has not been reported in the literature in individuals affected with GUCY2C-related conditions. This variant is not present in population databases (gnomAD no frequency). This sequence change replaces threonine, which is neutral and polar, with lysine, which is basic and polar, at codon 946 of the GUCY2C protein (p.Thr946Lys).